The following is an entry in ClinVar:

NM_001166114.2(PNPLA6):c.3417G>A (p.Met1139Ile)

Gene: PNPLA6 (patatin like domain 6, lysophospholipase; plus strand). Cytogenetic location: 19p13.2.
Variant type: single nucleotide variant.
Coding change: c.3417G>A on transcript NM_001166114.2 (MANE Select); coding-DNA position 3417, G replaced by A.
Protein change: p.Met1139Ile; replaces methionine 1139 with isoleucine.
Molecular consequence: missense variant.
Genome position (GRCh38, 1-based): chr19:7,558,869, G>A. VCF-style: chr19-7558869-G-A. GRCh37 (hg19) VCF-style: chr19-7623755-G-A.
Other names: c.3447G>A, p.Met1149Ile (NM_001166111.2); c.3222G>A, p.Met1074Ile (NM_001166112.2); c.3303G>A, p.Met1101Ile (NM_001166113.1, NM_006702.5); short protein forms M1139I, M1074I, M1101I, M1149I.
Identifiers: ClinVar variation 2120270 (VCV002120270.4), dbSNP rs1280504581, ClinGen allele CA403134527.

ClinVar aggregate classification (germline): Uncertain significance (1 of 4 stars; one submission).

Conditions:
Hereditary spastic paraplegia 39 (SPG39). Also called: Spastic Paraplegia Type 39 (SPG39); SPASTIC PARAPLEGIA 39, AUTOSOMAL RECESSIVE. Identifiers: Orphanet 139480, MedGen C2677586, MONDO:0012787, OMIM 612020.

Submission:

Labcorp Genetics (formerly Invitae), Labcorp
Classification: Uncertain significance for Hereditary spastic paraplegia 39. Last evaluated: 2022-04-01. Review status: criteria provided, single submitter. Criteria: Invitae Variant Classification Sherloc (09022015). Collection method: clinical testing. Allele origin: germline.
Comment: Algorithms developed to predict the effect of sequence changes on RNA splicing suggest that this variant may create or strengthen a splice site. In summary, the available evidence is currently insufficient to determine the role of this variant in disease. Therefore, it has been classified as a Variant of Uncertain Significance. Algorithms developed to predict the effect of missense changes on protein structure and function (SIFT, PolyPhen-2, Align-GVGD) all suggest that this variant is likely to be tolerated. This variant has not been reported in the literature in individuals affected with PNPLA6-related conditions. This variant is not present in population databases (gnomAD no frequency). This sequence change replaces methionine, which is neutral and non-polar, with isoleucine, which is neutral and non-polar, at codon 1101 of the PNPLA6 protein (p.Met1101Ile).